The following is an entry in ClinVar:

NM_145200.5(CABP4):c.491T>A (p.Met164Lys)

Gene: CABP4 (calcium binding protein 4; plus strand). Cytogenetic location: 11q13.2.
Variant type: single nucleotide variant.
Coding change: c.491T>A on transcript NM_145200.5 (MANE Select); coding-DNA position 491, T replaced by A.
Protein change: p.Met164Lys; replaces methionine 164 with lysine.
Molecular consequence: missense variant.
Genome position (GRCh38, 1-based): chr11:67,456,392, T>A. VCF-style: chr11-67456392-T-A. GRCh37 (hg19) VCF-style: chr11-67223863-T-A.
Other names: c.176T>A, p.Met59Lys (NM_001300895.3, NM_001300896.3, NM_001379183.1); short protein forms M164K, M59K.
Identifiers: ClinVar variation 1378808 (VCV001378808.6), dbSNP rs770718922, ClinGen allele CA6140235.

ClinVar aggregate classification (germline): Uncertain significance (1 of 4 stars; one submission).

Allele frequency attached by ClinVar (database versions not stated): gnomAD 0.00001; gnomAD exomes 0.00001 and below 0.00001; ExAC 0.00002.

Submission:

Labcorp Genetics (formerly Invitae), Labcorp
Classification: Uncertain significance. Last evaluated: 2022-07-25. Review status: criteria provided, single submitter. Criteria: Invitae Variant Classification Sherloc (09022015). Collection method: clinical testing. Allele origin: germline.
Comment: ClinVar contains an entry for this variant (Variation ID: 1378808). This variant has not been reported in the literature in individuals affected with CABP4-related conditions. This variant is present in population databases (rs770718922, gnomAD 0.01%), including at least one homozygous and/or hemizygous individual. This sequence change replaces methionine, which is neutral and non-polar, with lysine, which is basic and polar, at codon 164 of the CABP4 protein (p.Met164Lys). Algorithms developed to predict the effect of missense changes on protein structure and function are either unavailable or do not agree on the potential impact of this missense change (SIFT: "Tolerated"; PolyPhen-2: "Possibly Damaging"; Align-GVGD: "Class C0"). In summary, the available evidence is currently insufficient to determine the role of this variant in disease. Therefore, it has been classified as a Variant of Uncertain Significance.